The following is an entry in ClinVar:

NM_000553.6(WRN):c.2068C>G (p.Leu690Val)

Gene: WRN (WRN RecQ like helicase; plus strand). Cytogenetic location: 8p12.
Variant type: single nucleotide variant.
Coding change: c.2068C>G on transcript NM_000553.6 (MANE Select); coding-DNA position 2068, C replaced by G.
Protein change: p.Leu690Val; replaces leucine 690 with valine.
Molecular consequence: missense variant.
Genome position (GRCh38, 1-based): chr8:31,100,935, C>G. VCF-style: chr8-31100935-C-G. GRCh37 (hg19) VCF-style: chr8-30958451-C-G.
Other names: short protein forms L690V.
Identifiers: ClinVar variation 661216 (VCV000661216.5), dbSNP rs1585455740, ClinGen allele CA370908907.

ClinVar aggregate classification (germline): Uncertain significance (1 of 4 stars; one submission).

Conditions:
Werner syndrome (WRN). Identifiers: Orphanet 902, MedGen C0043119, MONDO:0010196, OMIM 277700.

Submission:

Labcorp Genetics (formerly Invitae), Labcorp
Classification: Uncertain significance for Werner syndrome. Last evaluated: 2024-03-06. Review status: criteria provided, single submitter. Criteria: Invitae Variant Classification Sherloc (09022015). Collection method: clinical testing. Allele origin: germline.
Comment: This sequence change replaces leucine, which is neutral and non-polar, with valine, which is neutral and non-polar, at codon 690 of the WRN protein (p.Leu690Val). This variant is not present in population databases (gnomAD no frequency). This variant has not been reported in the literature in individuals affected with WRN-related conditions. ClinVar contains an entry for this variant (Variation ID: 661216). An algorithm developed to predict the effect of missense changes on protein structure and function (PolyPhen-2) suggests that this variant is likely to be disruptive. In summary, the available evidence is currently insufficient to determine the role of this variant in disease. Therefore, it has been classified as a Variant of Uncertain Significance.